The following is an entry in ClinVar:

ClinVar aggregate classification (germline): Pathogenic/Likely pathogenic. Review status: criteria provided, multiple submitters, no conflicts (2 of 4 stars). 2 submissions from 2 submitters: Pathogenic (1); Likely pathogenic (1). Last evaluated 2025-04-03.

Submissions (2):

Labcorp Genetics (formerly Invitae), Labcorp
Classification: Pathogenic. Last evaluated: 2025-04-03. Review status: criteria provided, single submitter. Criteria: Invitae Variant Classification Sherloc (09022015). Collection method: clinical testing. Allele origin: germline.
Comment: This sequence change creates a premature translational stop signal (p.Gln842*) in the SPTB gene. It is expected to result in an absent or disrupted protein product. Loss-of-function variants in SPTB are known to be pathogenic (PMID: 1391962, 1498324, 8844207, 26830532, 27292444). This variant is not present in population databases (gnomAD no frequency). This variant has not been reported in the literature in individuals affected with SPTB-related conditions. ClinVar contains an entry for this variant (Variation ID: 2690734). For these reasons, this variant has been classified as Pathogenic.

Revvity Omics, Revvity
Classification: Likely pathogenic. Last evaluated: 2023-07-17. Review status: criteria provided, single submitter. Criteria: ACMG Guidelines, 2015. Collection method: clinical testing. Allele origin: germline.

Literature cited by the submitters: PubMed 1391962 (cited by Labcorp Genetics (formerly Invitae), Labcorp); PubMed 1498324 (cited by Labcorp Genetics (formerly Invitae), Labcorp); PubMed 8844207 (cited by Labcorp Genetics (formerly Invitae), Labcorp); PubMed 26830532 (cited by Labcorp Genetics (formerly Invitae), Labcorp); PubMed 27292444 (cited by Labcorp Genetics (formerly Invitae), Labcorp).

NM_001355436.2(SPTB):c.2524C>T (p.Gln842Ter)

Gene: SPTB (spectrin beta, erythrocytic; minus strand). Cytogenetic location: 14q23.3.
Variant type: single nucleotide variant.
Coding change: c.2524C>T on transcript NM_001355436.2 (MANE Select); coding-DNA position 2524, C replaced by T.
Protein change: p.Gln842Ter; replaces glutamine 842 with a stop codon.
Molecular consequence: nonsense.
Genome position (GRCh38, 1-based): chr14:64,793,139, G>A on the plus strand (C>T on the coding strand, the complement: SPTB is on the minus strand). VCF-style: chr14-64793139-G-A. GRCh37 (hg19) VCF-style: chr14-65259857-G-A.
Other names: c.2524C>T, p.Gln842Ter (NM_001024858.4, NM_001355437.2); short protein forms Q842*.
Identifiers: ClinVar variation 2690734 (VCV002690734.3), dbSNP rs2503157059, ClinGen allele CA390016434.